The following is an entry in ClinVar:

ClinVar aggregate classification (germline): Conflicting classifications of pathogenicity. Review status: criteria provided, conflicting classifications (1 of 4 stars). 6 submissions from 6 submitters: Uncertain significance (5); Benign (1). Last evaluated 2025-11-25.

Conditions:
Hereditary cancer-predisposing syndrome. Also called: Neoplastic Syndromes, Hereditary; Tumor predisposition; Hereditary Cancer Syndrome; Hereditary neoplastic syndrome. Identifiers: Orphanet 140162, MedGen C0027672, MeSH D009386, MONDO:0015356.
Familial adenomatous polyposis 1 (FAP1). Also called: FAMILIAL ADENOMATOUS POLYPOSIS 1, ATTENUATED; POLYPOSIS, ADENOMATOUS INTESTINAL. Identifiers: MedGen C2713442, MONDO:0021056, OMIM 175100. Disease mechanism: loss of function.
Gastric adenocarcinoma and proximal polyposis of the stomach (GAPPS). Also called: POLYPOSIS, GASTRIC; Polyposis, gastric, Dos Santos and de Magalhaes 1980; Gastric Adenocarcinoma and Proximal Polyposis of the Stomach (GAPPS). Identifiers: Orphanet 314022, MedGen C4749917, MONDO:0017790, OMIM 619182.
Desmoid disease, hereditary (DESMD). Also called: FIBROMATOSIS, FAMILIAL INFILTRATIVE. Identifiers: Orphanet 873, MedGen C1851124, OMIM 135290. Disease mechanism: loss of function.
Hepatocellular carcinoma (HCC). Also called: Primary carcinoma of liver; HEPATOMA; LIVER CELL CARCINOMA. Identifiers: Orphanet 88673, MedGen C2239176, MONDO:0007256, OMIM 114550, HP:0001402.
Gastric cancer. Also called: Malignant tumor of stomach; Stomach cancer. Identifiers: MedGen C0024623, MeSH D013274, MONDO:0001056, OMIM 613659, HP:0012126.
Colorectal cancer. Also called: Colorectal cancer, somatic; Malignant Colorectal Neoplasm. Identifiers: MedGen C0346629, MONDO:0005575, OMIM 114500.

Allele frequency attached by ClinVar (database versions not stated): TOPMed 0.00001; gnomAD exomes below 0.00001 and 0.00001; ExAC 0.00001.
gnomAD v4.1: 3 of 1,613,990 alleles (0.00019%); highest among the groups gnomAD compares: East Asian, 0.0022%; no homozygotes.

Submissions (6):

Labcorp Genetics (formerly Invitae), Labcorp
Classification: Uncertain significance for Familial adenomatous polyposis 1. Last evaluated: 2025-11-25. Review status: criteria provided, single submitter. Criteria: Invitae Variant Classification Sherloc (09022015). Collection method: clinical testing. Allele origin: germline.
Comment: This sequence change replaces glutamic acid, which is acidic and polar, with lysine, which is basic and polar, at codon 1149 of the APC protein (p.Glu1149Lys). This variant is present in population databases (rs371117193, gnomAD 0.006%). This variant has not been reported in the literature in individuals affected with APC-related conditions. ClinVar contains an entry for this variant (Variation ID: 664783). Invitae Evidence Modeling of protein sequence and biophysical properties (such as structural, functional, and spatial information, amino acid conservation, physicochemical variation, residue mobility, and thermodynamic stability) indicates that this missense variant is not expected to disrupt APC protein function with a negative predictive value of 95%. In summary, the available evidence is currently insufficient to determine the role of this variant in disease. Therefore, it has been classified as a Variant of Uncertain Significance.

Ambry Genetics
Classification: Benign for Hereditary cancer-predisposing syndrome. Last evaluated: 2025-11-21. Review status: criteria provided, single submitter. Criteria: Ambry Variant Classification Scheme 2023. Collection method: clinical testing. Allele origin: germline.

Color Diagnostics, LLC DBA Color Health
Classification: Uncertain significance for Hereditary cancer-predisposing syndrome. Last evaluated: 2024-09-23. Review status: criteria provided, single submitter. Criteria: ACMG Guidelines, 2015. Collection method: clinical testing. Allele origin: germline.
Comment: This missense variant replaces glutamic acid with lysine at codon 1149 of the APC protein. Computational prediction is inconclusive regarding the impact of this variant on protein structure and function (internally defined REVEL score threshold 0.5 < inconclusive < 0.7, PMID: 27666373). To our knowledge, functional studies have not been reported for this variant. This variant has not been reported in individuals affected with APC-related disorders in the literature. This variant has been identified in 2/250914 chromosomes in the general population by the Genome Aggregation Database (gnomAD). The available evidence is insufficient to determine the role of this variant in disease conclusively. Therefore, this variant is classified as a Variant of Uncertain Significance.

Fulgent Genetics
Classification: Uncertain significance for Colorectal cancer; Hepatocellular carcinoma; Desmoid disease, hereditary; Familial adenomatous polyposis 1; Gastric cancer; Gastric adenocarcinoma and proximal polyposis of the stomach. Last evaluated: 2024-05-30. Review status: criteria provided, single submitter. Criteria: ACMG Guidelines, 2015. Collection method: clinical testing. Allele origin: germline.

Baylor Genetics
Classification: Uncertain significance for Familial adenomatous polyposis 1. Last evaluated: 2023-10-22. Review status: criteria provided, single submitter. Criteria: ACMG Guidelines, 2015. Collection method: clinical testing. Allele origin: unknown.

GeneDx
Classification: Uncertain significance. Last evaluated: 2023-04-20. Review status: criteria provided, single submitter. Criteria: GeneDx Variant Classification Process June 2021. Collection method: clinical testing. Allele origin: germline. Affected: yes.
Comment: Not observed at significant frequency in large population cohorts (gnomAD); In silico analysis supports that this missense variant does not alter protein structure/function; Has not been previously published as pathogenic or benign to our knowledge; This variant is associated with the following publications: (PMID: 18199528)

NM_000038.6(APC):c.3445G>A (p.Glu1149Lys)

Gene: APC (APC regulator of Wnt signaling pathway; plus strand). Cytogenetic location: 5q22.2.
Variant type: single nucleotide variant.
Coding change: c.3445G>A on transcript NM_000038.6 (MANE Select); coding-DNA position 3445, G replaced by A.
Protein change: p.Glu1149Lys; replaces glutamic acid 1149 with lysine.
Molecular consequence: missense variant.
Genome position (GRCh38, 1-based): chr5:112,839,039, G>A. VCF-style: chr5-112839039-G-A. GRCh37 (hg19) VCF-style: chr5-112174736-G-A.
Other names: c.3445G>A, p.Glu1149Lys (NM_001127510.3, NM_001354895.2); c.3391G>A, p.Glu1131Lys (NM_001127511.3); c.3499G>A, p.Glu1167Lys (NM_001354896.2); c.3475G>A, p.Glu1159Lys (NM_001354897.2); c.3370G>A, p.Glu1124Lys (NM_001354898.2); c.3361G>A, p.Glu1121Lys (NM_001354899.2); c.3322G>A, p.Glu1108Lys (NM_001354900.2); c.3268G>A, p.Glu1090Lys (NM_001354901.2); and 5 more; short protein forms E1048K, E1108K, E1159K, E1023K, E1121K, E1131K, E1167K, E1058K.
Identifiers: ClinVar variation 664783 (VCV000664783.19), dbSNP rs371117193, ClinGen allele CA035422.